The following is an entry in ClinVar:

NM_003036.4(SKI):c.1453G>C (p.Glu485Gln)

Gene: SKI (SKI proto-oncogene; plus strand). Cytogenetic location: 1p36.32.
Variant type: single nucleotide variant.
Coding change: c.1453G>C on transcript NM_003036.4 (MANE Select); coding-DNA position 1453, G replaced by C.
Protein change: p.Glu485Gln; replaces glutamic acid 485 with glutamine.
Molecular consequence: missense variant.
Genome position (GRCh38, 1-based): chr1:2,304,081, G>C. VCF-style: chr1-2304081-G-C. GRCh37 (hg19) VCF-style: chr1-2235520-G-C.
Other names: short protein forms E485Q.
Identifiers: ClinVar variation 3442283 (VCV003442283.1).

ClinVar aggregate classification (germline): Uncertain significance (1 of 4 stars; one submission).

Conditions:
Familial thoracic aortic aneurysm and aortic dissection (TAAD). Also called: Thoracic aortic aneurysms and dissections. Identifiers: Orphanet 91387, MedGen C4707243, MONDO:0019625.

Submission:

Ambry Genetics
Classification: Uncertain significance for Familial thoracic aortic aneurysm and aortic dissection. Last evaluated: 2024-06-26. Review status: criteria provided, single submitter. Criteria: Ambry Variant Classification Scheme 2023. Collection method: clinical testing. Allele origin: germline.
Comment: The p.E485Q variant (also known as c.1453G>C), located in coding exon 4 of the SKI gene, results from a G to C substitution at nucleotide position 1453. The glutamic acid at codon 485 is replaced by glutamine, an amino acid with highly similar properties. This amino acid position is conserved. In addition, the in silico prediction for this alteration is inconclusive. Based on the available evidence, the clinical significance of this variant remains unclear.